The following is an entry in ClinVar:

NM_001378615.1(CC2D2A):c.1153G>A (p.Val385Ile)

Genes: CC2D2A (coiled-coil and C2 domain containing 2A; plus strand), FBXL5 (F-box and leucine rich repeat protein 5; minus strand). Cytogenetic location: 4p15.32.
Variant type: single nucleotide variant.
Coding change: c.1153G>A on transcript NM_001378615.1 (MANE Select); coding-DNA position 1153, G replaced by A.
Protein change: p.Val385Ile; replaces valine 385 with isoleucine.
Molecular consequence: missense variant.
Genome position (GRCh38, 1-based): chr4:15,527,450, G>A. VCF-style: chr4-15527450-G-A. GRCh37 (hg19) VCF-style: chr4-15529073-G-A.
Other names: c.1153G>A, p.Val385Ile (NM_001080522.2); c.1006G>A, p.Val336Ile (NM_001378617.1); short protein forms V336I, V385I.
Identifiers: ClinVar variation 1005638 (VCV001005638.7), dbSNP rs1401215213, ClinGen allele CA356410107.

ClinVar aggregate classification (germline): Uncertain significance. Review status: criteria provided, multiple submitters, no conflicts (2 of 4 stars). 2 submissions from 2 submitters: Uncertain significance (2). Last evaluated 2025-08-11.

Conditions:
Inborn genetic diseases. Identifiers: MedGen C0950123, MeSH D030342.
Joubert syndrome. Also called: JOUBERT-BOLTSHAUSER SYNDROME; Familial aplasia of the vermis. Identifiers: Orphanet 475, MedGen C5979921, MONDO:0018772.
Meckel-Gruber syndrome. Also called: Dysencephalia splachnocystica; DYSENCEPHALIA SPLANCHNOCYSTICA; GRUBER SYNDROME. Identifiers: Orphanet 564, MedGen C0265215, MONDO:0018921.

Allele frequency attached by ClinVar (database versions not stated): gnomAD exomes below 0.00001; TOPMed 0.00001; gnomAD 0.00003.
gnomAD v4.1: 11 of 1,611,586 alleles (0.00068%); highest among the groups gnomAD compares: South Asian, 0.0011%; no homozygotes.

Submissions (2):

Ambry Genetics
Classification: Uncertain significance for Inborn genetic diseases. Last evaluated: 2025-08-11. Review status: criteria provided, single submitter. Criteria: Ambry Variant Classification Scheme 2023. Collection method: clinical testing. Allele origin: germline.

Labcorp Genetics (formerly Invitae), Labcorp
Classification: Uncertain significance for Joubert syndrome; Meckel-Gruber syndrome. Last evaluated: 2022-08-03. Review status: criteria provided, single submitter. Criteria: Invitae Variant Classification Sherloc (09022015). Collection method: clinical testing. Allele origin: germline.
Comment: This sequence change replaces valine, which is neutral and non-polar, with isoleucine, which is neutral and non-polar, at codon 385 of the CC2D2A protein (p.Val385Ile). The frequency data for this variant in the population databases is considered unreliable, as metrics indicate poor data quality at this position in the gnomAD database. This variant has not been reported in the literature in individuals affected with CC2D2A-related conditions. ClinVar contains an entry for this variant (Variation ID: 1005638). Advanced modeling of protein sequence and biophysical properties (such as structural, functional, and spatial information, amino acid conservation, physicochemical variation, residue mobility, and thermodynamic stability) performed at Invitae indicates that this missense variant is not expected to disrupt CC2D2A protein function. In summary, the available evidence is currently insufficient to determine the role of this variant in disease. Therefore, it has been classified as a Variant of Uncertain Significance.